The following is an entry in ClinVar:

ClinVar aggregate classification (germline): Pathogenic/Likely pathogenic. Review status: criteria provided, multiple submitters, no conflicts (2 of 4 stars). 2 submissions from 2 submitters: Pathogenic (1); Likely pathogenic (1). Last evaluated 2023-06-27.

Conditions:
Familial cancer of breast. Also called: Hereditary breast cancer; BREAST CANCER, FAMILIAL; hereditary breast carcinoma. Identifiers: Orphanet 227535, MedGen C0346153, MONDO:0016419, OMIM 114480. Disease mechanism: loss of function.
Malignant tumor of breast. Also called: Cancer breast; Malignant breast neoplasm. Identifiers: MedGen C0006142, MONDO:0007254. Disease mechanism: loss of function.

Submissions (2):

Myriad Genetics, Inc.
Classification: Pathogenic for Familial cancer of breast. Last evaluated: 2023-06-27. Review status: criteria provided, single submitter. Criteria: Myriad Autosomal Dominant, Autosomal Recessive and X-Linked Classification Criteria (2023). Collection method: clinical testing. Allele origin: unknown.
Comment: This variant is considered pathogenic. This variant creates a frameshift predicted to result in premature protein truncation.

Women's Health and Genetics/Laboratory Corporation of America, LabCorp
Classification: Likely pathogenic for Malignant tumor of breast. Last evaluated: 2022-12-19. Review status: criteria provided, single submitter. Criteria: LabCorp Variant Classification Summary - May 2015. Collection method: clinical testing. Allele origin: germline.
Comment: Variant summary: ATM c.2091delA (p.Leu697PhefsX6) results in a premature termination codon, predicted to cause a truncation of the encoded protein or absence of the protein due to nonsense mediated decay, which are commonly known mechanisms for disease. Truncations downstream of this position have been classified as pathogenic by our laboratory. The variant was absent in 251230 control chromosomes (gnomAD). To our knowledge, no occurrence of c.2091delA in individuals affected with Breast Cancer and no experimental evidence demonstrating its impact on protein function have been reported. No clinical diagnostic laboratories have submitted clinical-significance assessments for this variant to ClinVar after 2014. Based on the evidence outlined above, the variant was classified as likely pathogenic.

NM_000051.4(ATM):c.2091del (p.Leu697fs)

Gene: ATM (ATM serine/threonine kinase; plus strand). Cytogenetic location: 11q22.3.
Variant type: Deletion.
Coding change: c.2091del on transcript NM_000051.4 (MANE Select); coding-DNA position 2091, one base deleted (A; older notation c.2091delA).
Protein change: p.Leu697fs; shifts the reading frame from leucine 697.
Molecular consequence: frameshift variant.
Genome position (GRCh38, 1-based): chr11:108,254,006, A deleted. VCF-style (leftmost placement, unchanged base first): chr11-108254005-TA-T. GRCh37 (hg19) VCF-style: chr11-108124732-TA-T.
Other names: c.2091del, p.Leu697fs (NM_001351834.2); short protein forms L697fs.
Identifiers: ClinVar variation 1878334 (VCV001878334.3), dbSNP rs2497318044, ClinGen allele CA2580083286.
Genomic context (GRCh38, chr11:108,254,005, plus strand): 5'-GTATTGGCTTCTCTGTCCACCAGAATCTCAAGGAATCACTGGATCGCTGTCTTCTGGGAT[TA>T]TCAGAACAGCTTCTGAATAATTACTCATCTGAGGTGAGATTTTTTAAAAAAAGAACTAAG-3'